The following is an entry in ClinVar:

NM_001171.6(ABCC6):c.1636-5C>G

Gene: ABCC6 (ATP binding cassette subfamily C member 6; minus strand). Cytogenetic location: 16p13.11.
Variant type: single nucleotide variant.
Coding change: c.1636-5C>G on transcript NM_001171.6 (MANE Select); 5 bases into the intron before coding-DNA position 1636, C replaced by G.
Molecular consequence: intron variant.
Genome position (GRCh38, 1-based): chr16:16,188,979, G>C on the plus strand (C>G on the coding strand, the complement: ABCC6 is on the minus strand). VCF-style: chr16-16188979-G-C. GRCh37 (hg19) VCF-style: chr16-16282836-G-C.
Other names: c.1294-5C>G (NM_001351800.1).
Identifiers: ClinVar variation 1348173 (VCV001348173.29), dbSNP rs771552185, ClinGen allele CA621656563.

ClinVar aggregate classification (germline): Likely benign. Review status: criteria provided, multiple submitters, no conflicts (2 of 4 stars). 2 submissions from 2 submitters: Likely benign (2). Last evaluated 2024-03-04.

gnomAD v4.1: 2 of 1,613,778 alleles (0.00012%); highest among the groups gnomAD compares: South Asian, 0.0011%; no homozygotes.

Submissions (2):

Labcorp Genetics (formerly Invitae), Labcorp
Classification: Likely benign. Last evaluated: 2024-03-04. Review status: criteria provided, single submitter. Criteria: Invitae Variant Classification Sherloc (09022015). Collection method: clinical testing. Allele origin: germline.

CeGaT Center for Human Genetics Tuebingen
Classification: Likely benign. Last evaluated: 2023-07-01. Review status: criteria provided, single submitter. Criteria: CeGaT Center For Human Genetics Tuebingen Variant Classification Criteria Version 2. Collection method: clinical testing. Allele origin: germline. Affected: yes. Observed: 1 variant allele.
Comment: ABCC6: BP4